The following is an entry in ClinVar:

ClinVar aggregate classification (germline): Uncertain significance (1 of 4 stars; one submission).

Conditions:
Fibrous dysplasia of jaw (CRBM). Also called: Cherubism. Identifiers: Orphanet 184, MedGen C0008029, MONDO:0007315, OMIM 118400.

Allele frequency attached by ClinVar (database versions not stated): gnomAD exomes below 0.00001 and 0.00001; ExAC 0.00001; gnomAD 0.00001; TOPMed 0.00001; ESP Exome Variant Server 0.00008.
gnomAD v4.1: 8 of 1,612,828 alleles (0.0005%); highest among the groups gnomAD compares: Non-Finnish European, 0.00059%; no homozygotes.

Submission:

Labcorp Genetics (formerly Invitae), Labcorp
Classification: Uncertain significance for Fibrous dysplasia of jaw. Last evaluated: 2025-10-22. Review status: criteria provided, single submitter. Criteria: Invitae Variant Classification Sherloc (09022015). Collection method: clinical testing. Allele origin: germline.
Comment: This sequence change replaces proline, which is neutral and non-polar, with arginine, which is basic and polar, at codon 268 of the SH3BP2 protein (p.Pro268Arg). This variant is present in population databases (rs148592718, gnomAD 0.0009%). This variant has not been reported in the literature in individuals affected with SH3BP2-related conditions. ClinVar contains an entry for this variant (Variation ID: 580316). Invitae Evidence Modeling of protein sequence and biophysical properties (such as structural, functional, and spatial information, amino acid conservation, physicochemical variation, residue mobility, and thermodynamic stability) indicates that this missense variant is not expected to disrupt SH3BP2 protein function with a negative predictive value of 80%. In summary, the available evidence is currently insufficient to determine the role of this variant in disease. Therefore, it has been classified as a Variant of Uncertain Significance.

NM_001122681.2(SH3BP2):c.803C>G (p.Pro268Arg)

Gene: SH3BP2 (SH3 domain binding protein 2; plus strand). Cytogenetic location: 4p16.3.
Variant type: single nucleotide variant.
Coding change: c.803C>G on transcript NM_001122681.2 (MANE Select); coding-DNA position 803, C replaced by G.
Protein change: p.Pro268Arg; replaces proline 268 with arginine.
Molecular consequence: missense variant.
Genome position (GRCh38, 1-based): chr4:2,829,709, C>G. VCF-style: chr4-2829709-C-G. GRCh37 (hg19) VCF-style: chr4-2831436-C-G.
Other names: c.803C>G, p.Pro268Arg (LRG_1334t1, NM_003023.4); c.887C>G, p.Pro296Arg (LRG_1334t2, NM_001145855.2); c.974C>G, p.Pro325Arg (NM_001145856.2); short protein forms P268R, P296R, P325R.
Identifiers: ClinVar variation 580316 (VCV000580316.8), dbSNP rs148592718, ClinGen allele CA2819321.
Genomic context (GRCh38, chr4:2,829,709, plus strand): 5'-GCCTGGCTGCTGAGGACTCCAAGAGGGACCCACTGTGCCCGAGGCGGGCTGAGCCTTGCC[C>G]CAGGGTACCTGCTACCCCCCGAAGGATGAGCGATCCCCCTCTGAGCACCATGCCCACCGC-3'
Protein context (NP_001116153.1, residues 258-278): PLCPRRAEPC[Pro268Arg]RVPATPRRMS